The following is an entry in ClinVar:

ClinVar aggregate classification (germline): Pathogenic (1 of 4 stars; one submission).

Conditions:
Retinoblastoma (RB1). Also called: RETINOBLASTOMA, SOMATIC. Identifiers: Orphanet 790, MedGen C0035335, MeSH D012175, MONDO:0008380, OMIM 180200, HP:0009919. Disease mechanism: loss of function. Inheritance: Both sporadic and heritable forms are tested..

Submission:

Labcorp Genetics (formerly Invitae), Labcorp
Classification: Pathogenic for Retinoblastoma. Last evaluated: 2024-10-23. Review status: criteria provided, single submitter. Criteria: Invitae Variant Classification Sherloc (09022015). Collection method: clinical testing. Allele origin: germline.
Comment: This sequence change creates a premature translational stop signal (p.Pro28Leufs*37) in the RB1 gene. It is expected to result in an absent or disrupted protein product. Loss-of-function variants in RB1 are known to be pathogenic (PMID: 17096365). This variant is not present in population databases (gnomAD no frequency). This premature translational stop signal has been observed in individual(s) with retinoblastoma (PMID: 14516425). ClinVar contains an entry for this variant (Variation ID: 580564). For these reasons, this variant has been classified as Pathogenic.

Literature cited by the submitters: PubMed 17096365; PubMed 14516425.

NM_000321.3(RB1):c.83del (p.Pro28fs)

Gene: RB1 (RB transcriptional corepressor 1; plus strand). Cytogenetic location: 13q14.2.
Variant type: Deletion.
Coding change: c.83del on transcript NM_000321.3 (MANE Select); coding-DNA position 83, one base deleted (C; older notation c.83delC).
Protein change: p.Pro28fs; shifts the reading frame from proline 28.
Molecular consequence: frameshift variant.
Genome position (GRCh38, 1-based): chr13:48,303,995, C deleted; the last of 5 consecutive C bases (chr13:48,303,991-48,303,995); deleting any one gives the same sequence. VCF-style (leftmost placement, unchanged base first): chr13-48303990-GC-G. GRCh37 (hg19) VCF-style: chr13-48878126-GC-G.
Other names: c.83delC (NM_000321.2); short protein forms P28fs.
Identifiers: ClinVar variation 580564 (VCV000580564.9), dbSNP rs1276653645, ClinGen allele CA609859331.